The following is an entry in ClinVar:

NM_005859.5(PURA):c.127_144dup (p.Gly48_Gly49insSerGlyGlyGlyGlyGly)

Gene: PURA (purine rich element binding protein A; plus strand). Cytogenetic location: 5q31.3.
Variant type: Duplication.
Coding change: c.127_144dup on transcript NM_005859.5 (MANE Select); coding-DNA positions 127 to 144, 18 bases duplicated (AGTGGCGGCGGCGGCGGC).
Protein change: p.Gly48_Gly49insSerGlyGlyGlyGlyGly.
Molecular consequence: inframe insertion.
Genome position (GRCh38, 1-based): chr5:140,114,308-140,114,325, AGTGGCGGCGGCGGCGGC duplicated; duplicating any 18 consecutive bases within chr5:140,114,296-140,114,325 gives the same sequence; the c. name uses the placement nearest the transcript's 3' end. VCF-style (leftmost placement, unchanged base first): chr5-140114295-G-GGGCGGCGGCGGCAGTGGC. GRCh37 (hg19) VCF-style: chr5-139493880-G-GGGCGGCGGCGGCAGTGGC.
Identifiers: ClinVar variation 4693247 (VCV004693247.1).

ClinVar aggregate classification (germline): Uncertain significance (1 of 4 stars; one submission).

Conditions:
PURA-related severe neonatal hypotonia-seizures-encephalopathy syndrome (NEDRIHF). Also called: NEURODEVELOPMENTAL DISORDER WITH NEONATAL RESPIRATORY INSUFFICIENCY, HYPOTONIA, AND FEEDING DIFFICULTIES; PURA-Related Neurodevelopmental Disorders. Identifiers: Orphanet 438213, Orphanet 438216, MedGen C4015357, MONDO:1060108, OMIM 616158, MONDO:0018580.

Submission:

Labcorp Genetics (formerly Invitae), Labcorp
Classification: Uncertain significance for PURA-related severe neonatal hypotonia-seizures-encephalopathy syndrome. Last evaluated: 2025-04-09. Review status: criteria provided, single submitter. Criteria: Invitae Variant Classification Sherloc (09022015). Collection method: clinical testing. Allele origin: germline.
Comment: This variant, c.127_144dup, results in the insertion of 6 amino acid(s) of the PURA protein (p.Ser43_Gly48dup), but otherwise preserves the integrity of the reading frame. This variant is not present in population databases (gnomAD no frequency). This variant has not been reported in the literature in individuals affected with PURA-related conditions. In summary, the available evidence is currently insufficient to determine the role of this variant in disease. Therefore, it has been classified as a Variant of Uncertain Significance.